The following is an entry in ClinVar:

NM_000540.3(RYR1):c.2985G>C (p.Trp995Cys)

Gene: RYR1 (ryanodine receptor 1; plus strand). Cytogenetic location: 19q13.2.
Variant type: single nucleotide variant.
Coding change: c.2985G>C on transcript NM_000540.3 (MANE Select); coding-DNA position 2985, G replaced by C.
Protein change: p.Trp995Cys; replaces tryptophan 995 with cysteine.
Molecular consequence: missense variant.
Genome position (GRCh38, 1-based): chr19:38,466,205, G>C. VCF-style: chr19-38466205-G-C. GRCh37 (hg19) VCF-style: chr19-38956845-G-C.
Other names: c.2985G>C, p.Trp995Cys (NM_001042723.2); short protein forms W995C.
Identifiers: ClinVar variation 2913266 (VCV002913266.6), dbSNP rs753428495, ClinGen allele CA064280.

ClinVar aggregate classification (germline): Uncertain significance. Review status: criteria provided, multiple submitters, no conflicts (2 of 4 stars). 3 submissions from 3 submitters: Uncertain significance (3). Last evaluated 2023-08-15.

Conditions:
RYR1-related disorder. Also called: RYR1-related disorders; RYR1-related condition. Identifiers: MedGen CN239331.
Malignant hyperthermia, susceptibility to, 1 (MHS1). Also called: Malignant hyperthermia suceptibility 1; RYR1-Related Malignant Hyperthermia Susceptibility; Anesthesia related hyperthermia; Malignant hyperpyrexia; Fulminating hyperpyrexia; Pharmacogenic myopathy. Identifiers: Orphanet 423, MedGen C2930980, MONDO:0007783, OMIM 145600.
Central core myopathy (CMYO1A). Also called: CONGENITAL MYOPATHY 1A, AUTOSOMAL DOMINANT, WITH SUSCEPTIBILITY TO MALIGNANT HYPERTHERMIA; Central core disease; Myopathy, central fibrillar. Identifiers: Orphanet 597, MedGen C5830701, MONDO:0007294, OMIM 117000.
Congenital multicore myopathy with external ophthalmoplegia (CMYO1B). Also called: MULTICORE MYOPATHY; Minicore myopathy with external ophthalmoplegia; Minicore myopathy; Congenital myopathy 1B, autosomal recessive; MULTIMINICORE DISEASE WITH EXTERNAL OPHTHALMOPLEGIA. Identifiers: Orphanet 598, Orphanet 98905, MedGen C1850674, MONDO:0009712, OMIM 255320, HP:0003789.
King Denborough syndrome (KDS). Identifiers: MedGen C1840365, MONDO:0020485, OMIM 619542.

Allele frequency attached by ClinVar (database versions not stated): gnomAD exomes below 0.00001; TOPMed below 0.00001; gnomAD 0.00001; ExAC 0.00003.
gnomAD v4.1: 4 of 1,613,382 alleles (0.00025%); highest among the groups gnomAD compares: East Asian, 0.0089%; no homozygotes.

Submissions (3):

All of Us Research Program, National Institutes of Health
Classification: Uncertain significance for Malignant hyperthermia, susceptibility to, 1. Last evaluated: 2023-08-15. Review status: criteria provided, single submitter. Criteria: ACMG Guidelines, 2015. Collection method: clinical testing. Allele origin: germline. Inheritance: Autosomal dominant inheritance. Observed: 1 variant allele, 1 heterozygote.
Comment: This missense variant replaces tryptophan with cysteine at codon 995 of the RYR1 protein. Computational prediction suggests that this variant may have deleterious impact on protein structure and function (internally defined REVEL score threshold >= 0.7, PMID: 27666373). To our knowledge, functional studies have not been reported for this variant. This variant has not been reported in individuals affected with RYR1-related disorders in the literature. This variant has been identified in 8/280694 chromosomes in the general population by the Genome Aggregation Database (gnomAD). The available evidence is insufficient to determine the role of this variant in disease conclusively. Therefore, this variant is classified as a Variant of Uncertain Significance.

This study involves interpretation of variants in research participants for the purpose of population health screening. Participant phenotype was not available at the time of variant classification. Additional details can be found in publication PMID: 35346344, PMCID: PMC8962531

Labcorp Genetics (formerly Invitae), Labcorp
Classification: Uncertain significance for RYR1-related disorder. Last evaluated: 2023-06-07. Review status: criteria provided, single submitter. Criteria: Invitae Variant Classification Sherloc (09022015). Collection method: clinical testing. Allele origin: germline.
Comment: Advanced modeling of protein sequence and biophysical properties (such as structural, functional, and spatial information, amino acid conservation, physicochemical variation, residue mobility, and thermodynamic stability) performed at Invitae indicates that this missense variant is expected to disrupt RYR1 protein function. This variant has not been reported in the literature in individuals affected with RYR1-related conditions. This variant is present in population databases (rs753428495, gnomAD 0.04%). This sequence change replaces tryptophan, which is neutral and slightly polar, with cysteine, which is neutral and slightly polar, at codon 995 of the RYR1 protein (p.Trp995Cys). In summary, the available evidence is currently insufficient to determine the role of this variant in disease. Therefore, it has been classified as a Variant of Uncertain Significance.

Juno Genomics, Hangzhou Juno Genomics, Inc
Classification: Uncertain significance for Central core myopathy; Congenital multicore myopathy with external ophthalmoplegia; Malignant hyperthermia, susceptibility to, 1; King Denborough syndrome. Review status: criteria provided, single submitter. Criteria: ACMG Guidelines, 2015. Collection method: clinical testing. Allele origin: germline.
Comment: Missense variant in a gene that has a low rate of benign missense variation.;Multiple lines of computational evidence support a deleterious effect on the gene or gene product.;Absent from controls (or at extremely low frequency if recessive) in Genome Aggregation Database.